The following is an entry in ClinVar:

ClinVar aggregate classification (germline): Uncertain significance (1 of 4 stars; one submission).

Submission:

GeneDx
Classification: Uncertain significance. Last evaluated: 2021-11-26. Review status: criteria provided, single submitter. Criteria: GeneDx Variant Classification Process June 2021. Collection method: clinical testing. Allele origin: germline. Affected: yes.
Comment: Has not been previously published as pathogenic or benign to our knowledge; Not observed at significant frequency in large population cohorts (gnomAD); In silico analysis supports that this missense variant has a deleterious effect on protein structure/function

NM_000501.4(ELN):c.947A>G (p.Tyr316Cys)

Gene: ELN (elastin; plus strand). Cytogenetic location: 7q11.23.
Variant type: single nucleotide variant.
Coding change: c.947A>G on transcript NM_000501.4 (MANE Select); coding-DNA position 947, A replaced by G.
Protein change: p.Tyr316Cys; replaces tyrosine 316 with cysteine.
Molecular consequence: missense variant.
Genome position (GRCh38, 1-based): chr7:74,051,981, A>G. VCF-style: chr7-74051981-A-G. GRCh37 (hg19) VCF-style: chr7-73466311-A-G.
Other names: c.917A>G, p.Tyr306Cys (NM_001081752.3, NM_001278917.2); c.962A>G, p.Tyr321Cys (NM_001081753.3, NM_001081754.3); c.947A>G, p.Tyr316Cys (NM_001081755.3, NM_001278912.2, NM_001278915.2 and 1 more transcripts); c.839A>G, p.Tyr280Cys (NM_001278913.2); c.932A>G, p.Tyr311Cys (NM_001278914.2); c.905A>G, p.Tyr302Cys (NM_001278916.2); c.815A>G, p.Tyr272Cys (NM_001278918.2); short protein forms Y272C, Y280C, Y302C, Y306C, Y311C, Y316C, Y321C.
Identifiers: ClinVar variation 1687699 (VCV001687699.2), dbSNP rs2131858559, ClinGen allele CA367871502.